The following is an entry in ClinVar:

ClinVar aggregate classification (germline): Uncertain significance. Review status: criteria provided, multiple submitters, no conflicts (2 of 4 stars). 2 submissions from 2 submitters: Uncertain significance (2). Last evaluated 2023-12-08.

Conditions:
Tyrosinase-positive oculocutaneous albinism (OCA2). Also called: ALBINISM II; Oculocutaneous albinism type 2; Albinism, oculocutaneous, type II. Identifiers: Orphanet 79432, MedGen C0268495, MONDO:0008746, OMIM 203200.

Submissions (2):

Revvity Omics, Revvity
Classification: Uncertain significance. Last evaluated: 2023-12-08. Review status: criteria provided, single submitter. Criteria: ACMG Guidelines, 2015. Collection method: clinical testing. Allele origin: germline.

Baylor Genetics
Classification: Uncertain significance for Tyrosinase-positive oculocutaneous albinism. Last evaluated: 2020-06-03. Review status: criteria provided, single submitter. Criteria: ACMG Guidelines, 2015. Collection method: clinical testing. Allele origin: unknown. Affected: yes.
Comment: This variant was determined to be of uncertain significance according to ACMG Guidelines, 2015 [PMID:25741868].

NM_000275.3(OCA2):c.515G>A (p.Arg172Lys)

Gene: OCA2 (OCA2 melanosomal transmembrane protein; minus strand). Cytogenetic location: 15q13.1.
Variant type: single nucleotide variant.
Coding change: c.515G>A on transcript NM_000275.3 (MANE Select); coding-DNA position 515, G replaced by A.
Protein change: p.Arg172Lys; replaces arginine 172 with lysine.
Molecular consequence: missense variant.
Genome position (GRCh38, 1-based): chr15:28,027,871, C>T on the plus strand (G>A on the coding strand, the complement: OCA2 is on the minus strand). VCF-style: chr15-28027871-C-T. GRCh37 (hg19) VCF-style: chr15-28273017-C-T.
Other names: c.515G>A, p.Arg172Lys (NM_001300984.2); short protein forms R172K.
Identifiers: ClinVar variation 1030712 (VCV001030712.2), dbSNP rs762091768, ClinGen allele CA391361747.